The following is an entry in ClinVar:

NM_001039591.3(USP9X):c.7218+5G>C

Gene: USP9X (ubiquitin specific peptidase 9 X-linked; plus strand). Cytogenetic location: Xp11.4.
Variant type: single nucleotide variant.
Coding change: c.7218+5G>C on transcript NM_001039591.3 (MANE Select); 5 bases into the intron after coding-DNA position 7218, G replaced by C.
Molecular consequence: intron variant.
Genome position (GRCh38, 1-based): chrX:41,229,414, G>C. VCF-style: chrX-41229414-G-C. GRCh37 (hg19) VCF-style: chrX-41088667-G-C.
Other names: c.7233+5G>C (NM_001410748.1, NM_001410749.1); c.7218+5G>C (NM_001039590.3).
Identifiers: ClinVar variation 3721628 (VCV003721628.2).

ClinVar aggregate classification (germline): Uncertain significance (1 of 4 stars; one submission).

Submission:

Labcorp Genetics (formerly Invitae), Labcorp
Classification: Uncertain significance. Last evaluated: 2024-09-27. Review status: criteria provided, single submitter. Criteria: Invitae Variant Classification Sherloc (09022015). Collection method: clinical testing. Allele origin: germline.
Comment: This sequence change falls in intron 42 of the USP9X gene. It does not directly change the encoded amino acid sequence of the USP9X protein. It affects a nucleotide within the consensus splice site. This variant is not present in population databases (gnomAD no frequency). This variant has not been reported in the literature in individuals affected with USP9X-related conditions. Variants that disrupt the consensus splice site are a relatively common cause of aberrant splicing (PMID: 17576681, 9536098). Algorithms developed to predict the effect of sequence changes on RNA splicing suggest that this variant may disrupt the consensus splice site. In summary, the available evidence is currently insufficient to determine the role of this variant in disease. Therefore, it has been classified as a Variant of Uncertain Significance.

Literature cited by the submitters: PubMed 17576681; PubMed 9536098.